The following is an entry in ClinVar:

NM_001042492.3(NF1):c.2002-12C>G

Gene: NF1 (neurofibromin 1; plus strand). Cytogenetic location: 17q11.2.
Variant type: single nucleotide variant.
Coding change: c.2002-12C>G on transcript NM_001042492.3 (MANE Select); 12 bases into the intron before coding-DNA position 2002, C replaced by G.
Molecular consequence: intron variant.
Genome position (GRCh38, 1-based): chr17:31,226,423, C>G. VCF-style: chr17-31226423-C-G. GRCh37 (hg19) VCF-style: chr17-29553441-C-G.
Other names: c.2002-12C>G (NM_000267.4).
Identifiers: ClinVar variation 2024253 (VCV002024253.5), dbSNP rs2067014304, ClinGen allele CA2255564003.
Genomic context (GRCh38, chr17:31,226,423, plus strand): 5'-TATTGCATTGTTAGATTTTATACATAAAATTACCCAAGTTGCAAATATATGTCTTCCACC[C>G]TTGACTCTCAGGATAGTGCAGCAGGATGCAGCGGAACCCCCCCGATTTGCCGACAAGCCC-3'

ClinVar aggregate classification (germline): Likely benign. Review status: criteria provided, single submitter (1 of 4 stars). 2 submissions from 2 submitters: Likely benign (1). 1 of the submissions does not count toward it. Last evaluated 2024-07-23.

Conditions:
NF1-related disorder. Also called: NF1-related condition. Identifiers: MedGen CN379171.
Neurofibromatosis, type 1 (NF1). Also called: NEUROFIBROMATOSIS, TYPE I, SOMATIC; Neurofibromatosis, type I; Peripheral type neurofibromatosis; VON RECKLINGHAUSEN DISEASE. Identifiers: Orphanet 636, MedGen C0027831, MONDO:0018975, OMIM 162200. Disease mechanism: loss of function.

Submissions (2):

Labcorp Genetics (formerly Invitae), Labcorp
Classification: Likely benign for Neurofibromatosis, type 1. Last evaluated: 2024-07-23. Review status: criteria provided, single submitter. Criteria: Invitae Variant Classification Sherloc (09022015). Collection method: clinical testing. Allele origin: germline.

PreventionGenetics, part of Exact Sciences
Classification: Likely benign for NF1-related condition. Last evaluated: 2024-06-20. Review status: no assertion criteria provided. Collection method: clinical testing. Allele origin: germline. Not counted in ClinVar's aggregate classification.
Comment: This variant is classified as likely benign based on ACMG/AMP sequence variant interpretation guidelines (Richards et al. 2015 PMID: 25741868, with internal and published modifications).